The following is an entry in ClinVar:

NM_014694.4(ADAMTSL2):c.764-147G>C

Gene: ADAMTSL2 (ADAMTS like 2; plus strand). Cytogenetic location: 9q34.2.
Variant type: single nucleotide variant.
Coding change: c.764-147G>C on transcript NM_014694.4 (MANE Select); 147 bases into the intron before coding-DNA position 764, G replaced by C.
Molecular consequence: intron variant.
Genome position (GRCh38, 1-based): chr9:133,546,891, G>C. VCF-style: chr9-133546891-G-C. GRCh37 (hg19) VCF-style: chr9-136412013-G-C.
Other names: c.764-147G>C (NM_001145320.2).
Identifiers: ClinVar variation 680520 (VCV000680520.1), dbSNP rs2073873, ClinGen allele CA12974272.
Genomic context (GRCh38, chr9:133,546,891, plus strand): 5'-CATTGCTGATTTTAGGCTGAGAGGAACGTGCGTTTGCCCCTCCTCCGCATTCACTGGCCA[G>C]ACTCTCCATGATGGGAGTTTCCTGTCTCGGGAGCATTTGAGCCGGGGTTCTGGAGGGCAG-3'

ClinVar aggregate classification (germline): Benign (1 of 4 stars; one submission).

Allele frequency attached by ClinVar (database versions not stated): 1000 Genomes Project 0.09724; TOPMed 0.09901; 1000 Genomes Project 30x 0.09338.
gnomAD v4.1: 107,422 of 839,204 alleles (13%); highest among the groups gnomAD compares: East Asian, 16%; 7,709 homozygotes.

Submission:

GeneDx
Classification: Benign. Last evaluated: 2018-06-19. Review status: criteria provided, single submitter. Criteria: GeneDx Variant Classification (06012015). Collection method: clinical testing. Allele origin: germline. Affected: yes.
Comment: This variant is considered likely benign or benign based on one or more of the following criteria: it is a conservative change, it occurs at a poorly conserved position in the protein, it is predicted to be benign by multiple in silico algorithms, and/or has population frequency not consistent with disease.